The following is an entry in ClinVar:

NM_004260.4(RECQL4):c.18_26dup (p.Asp6_Arg8dup)

Genes: RECQL4 (RecQ like helicase 4; minus strand), LOC130001411 (ATAC-STARR-seq lymphoblastoid silent region 19699; plus strand). Cytogenetic location: 8q24.3.
Variant type: Duplication.
Coding change: c.18_26dup on transcript NM_004260.4 (MANE Select); coding-DNA positions 18 to 26, 9 bases duplicated (CGTGCGGGA; older notation c.18_26dupCGTGCGGGA).
Protein change: p.Asp6_Arg8dup.
Molecular consequence: inframe insertion.
Genome position (GRCh38, 1-based): chr8:144,517,759-144,517,767, TCCCGCACG duplicated on the plus strand (CGTGCGGGA on the coding strand, the reverse complement: RECQL4 is on the minus strand); duplicating any 9 consecutive bases within chr8:144,517,759-144,517,774 gives the same sequence; the c. name uses the placement nearest the transcript's 3' end. VCF-style (leftmost placement, unchanged base first): chr8-144517758-C-CTCCCGCACG. GRCh37 (hg19) VCF-style: chr8-145743142-C-CTCCCGCACG.
Identifiers: ClinVar variation 529026 (VCV000529026.6), dbSNP rs1554905167, ClinGen allele CA658797181.
Genomic context (GRCh38, chr8:144,517,758, plus strand): 5'-CACCTGGCTCGGTCGCCGCCCGCGCTGCCGTCGGAACGCGCGCTCCCACGCCTGCAGCCG[C>CTCCCGCACG]TCCCGCACGTCCCGCAGCCGCTCCATGGCGCGCGCGCCCGCCCGGCCTCCGCGCTTGCGA-3'

ClinVar aggregate classification (germline): Uncertain significance (1 of 4 stars; one submission).

Conditions:
Baller-Gerold syndrome (BGS). Also called: CRANIOSYNOSTOSIS WITH RADIAL DEFECTS. Identifiers: Orphanet 1225, MedGen C0265308, MONDO:0009039, OMIM 218600.

Submission:

Labcorp Genetics (formerly Invitae), Labcorp
Classification: Uncertain significance for Baller-Gerold syndrome. Last evaluated: 2019-12-13. Review status: criteria provided, single submitter. Criteria: Invitae Variant Classification Sherloc (09022015). Collection method: clinical testing. Allele origin: germline.
Comment: While this variant is not present in population databases, the frequency information is unreliable, as metrics indicate poor data quality at this position in the ExAC database. In summary, the available evidence is currently insufficient to determine the role of this variant in disease. Therefore, it has been classified as a Variant of Uncertain Significance. Algorithms developed to predict the effect of sequence changes on RNA splicing suggest that this variant may create or strengthen a splice site, but this prediction has not been confirmed by published transcriptional studies. Experimental studies and protein prediction algorithms are not available for this variant, and the functional significance of the duplicated amino acids on protein function is currently unknown. This variant has not been reported in the literature in individuals with RECQL4-related disease. This variant, c.26_27insCGTGCGGGA, results in the insertion of 3 amino acids to the RECQL4 protein (p.Asp6_Arg8dup), but otherwise preserves the integrity of the reading frame.